The following is an entry in ClinVar:

NM_001177316.2(SLC34A3):c.926-2A>G

Gene: SLC34A3 (solute carrier family 34 member 3; plus strand). Cytogenetic location: 9q34.3.
Variant type: single nucleotide variant.
Coding change: c.926-2A>G on transcript NM_001177316.2 (MANE Select); the canonical splice acceptor site of the intron before coding-DNA position 926, A replaced by G.
Molecular consequence: splice acceptor variant.
Genome position (GRCh38, 1-based): chr9:137,234,107, A>G. VCF-style: chr9-137234107-A-G. GRCh37 (hg19) VCF-style: chr9-140128559-A-G.
Other names: c.926-2A>G (NM_001177317.2, NM_080877.3).
Identifiers: ClinVar variation 3646260 (VCV003646260.2).

ClinVar aggregate classification (germline): Pathogenic (1 of 4 stars; one submission).

gnomAD v4.1: 3 of 1,116,066 alleles (0.00027%); highest among the groups gnomAD compares: Non-Finnish European, 0.00033%; no homozygotes.

Submission:

Labcorp Genetics (formerly Invitae), Labcorp
Classification: Pathogenic. Last evaluated: 2024-08-31. Review status: criteria provided, single submitter. Criteria: Invitae Variant Classification Sherloc (09022015). Collection method: clinical testing. Allele origin: germline.
Comment: This sequence change affects an acceptor splice site in intron 9 of the SLC34A3 gene. It is expected to disrupt RNA splicing. Variants that disrupt the donor or acceptor splice site typically lead to a loss of protein function (PMID: 16199547), and loss-of-function variants in SLC34A3 are known to be pathogenic (PMID: 16358214, 16358215, 22159077). This variant is not present in population databases (gnomAD no frequency). Disruption of this splice site has been observed in individual(s) with hypophosphatemic rickets (PMID: 31672324). It has also been observed to segregate with disease in related individuals. Algorithms developed to predict the effect of sequence changes on RNA splicing suggest that this variant may disrupt the consensus splice site. For these reasons, this variant has been classified as Pathogenic.

Literature cited by the submitters: PubMed 16199547; PubMed 16358214; PubMed 16358215; PubMed 22159077; PubMed 31672324.